The following is an entry in ClinVar:

NM_020708.5(SLC12A5):c.1936C>G (p.Arg646Gly)

Gene: SLC12A5 (solute carrier family 12 member 5; plus strand). Cytogenetic location: 20q13.12.
Variant type: single nucleotide variant.
Coding change: c.1936C>G on transcript NM_020708.5 (MANE Select); coding-DNA position 1936, C replaced by G.
Protein change: p.Arg646Gly; replaces arginine 646 with glycine.
Molecular consequence: missense variant.
Genome position (GRCh38, 1-based): chr20:46,048,009, C>G. VCF-style: chr20-46048009-C-G. GRCh37 (hg19) VCF-style: chr20-44676648-C-G.
Other names: c.2005C>G, p.Arg669Gly (NM_001134771.2); short protein forms R669G, R646G.
Identifiers: ClinVar variation 1393136 (VCV001393136.8), dbSNP rs771263913, ClinGen allele CA409200246.
Genomic context (GRCh38, chr20:46,048,009, plus strand): 5'-TGCTCTCATGTGATCCACTTCCCGGCTCCCAGGGCAGAGAAGGAGTGGGGCGATGGGATA[C>G]GAGGTCTGTCTCTCAGTGCGGCTCGCTATGCCCTCTTACGCCTGGAGGAAGGGCCCCCAC-3'
Protein context (NP_065759.1, residues 636-656): GAEKEWGDGI[Arg646Gly]GLSLSAARYA

ClinVar aggregate classification (germline): Uncertain significance (1 of 4 stars; one submission).

Conditions:
Developmental and epileptic encephalopathy, 34 (DEE34). Also called: Early infantile epileptic encephalopathy 34; SLC12A5-Related Epilepsy of Infancy with Migrating Focal Seizures. Identifiers: Orphanet 293181, MedGen C4225257, MONDO:0014718, OMIM 616645.

gnomAD v4.1: 1 of 1,612,294 alleles (0.000062%); highest among the groups gnomAD compares: Non-Finnish European, 0.000085%; no homozygotes.

Submission:

Labcorp Genetics (formerly Invitae), Labcorp
Classification: Uncertain significance for Developmental and epileptic encephalopathy, 34. Last evaluated: 2022-11-29. Review status: criteria provided, single submitter. Criteria: Invitae Variant Classification Sherloc (09022015). Collection method: clinical testing. Allele origin: germline.
Comment: In summary, the available evidence is currently insufficient to determine the role of this variant in disease. Therefore, it has been classified as a Variant of Uncertain Significance. Algorithms developed to predict the effect of sequence changes on RNA splicing suggest that this variant may disrupt the consensus splice site. Advanced modeling of protein sequence and biophysical properties (such as structural, functional, and spatial information, amino acid conservation, physicochemical variation, residue mobility, and thermodynamic stability) performed at Invitae indicates that this missense variant is expected to disrupt SLC12A5 protein function. ClinVar contains an entry for this variant (Variation ID: 1393136). This variant has not been reported in the literature in individuals affected with SLC12A5-related conditions. This variant is not present in population databases (gnomAD no frequency). This sequence change replaces arginine, which is basic and polar, with glycine, which is neutral and non-polar, at codon 646 of the SLC12A5 protein (p.Arg646Gly).